The following is an entry in ClinVar:

NM_018367.7(ACER3):c.185G>A (p.Arg62Gln)

Gene: ACER3 (alkaline ceramidase 3; plus strand). Cytogenetic location: 11q13.5.
Variant type: single nucleotide variant.
Coding change: c.185G>A on transcript NM_018367.7 (MANE Select); coding-DNA position 185, G replaced by A.
Protein change: p.Arg62Gln; replaces arginine 62 with glutamine.
Molecular consequence: missense variant. On other transcripts: 5 prime UTR variant (2), intron variant (1).
Genome position (GRCh38, 1-based): chr11:76,926,638, G>A. VCF-style: chr11-76926638-G-A. GRCh37 (hg19) VCF-style: chr11-76637682-G-A.
Other names: c.-172G>A (NM_001300954.2); c.-48G>A (NM_001300955.2); c.104-32341G>A (NM_001300953.2); short protein forms R62Q.
Identifiers: ClinVar variation 1930977 (VCV001930977.6), dbSNP rs755357196, ClinGen allele CA6195578.

ClinVar aggregate classification (germline): Uncertain significance. Review status: criteria provided, multiple submitters, no conflicts (2 of 4 stars). 2 submissions from 2 submitters: Uncertain significance (2). Last evaluated 2022-09-27.

Allele frequency attached by ClinVar (database versions not stated): gnomAD 0.00001; gnomAD exomes 0.00001; TOPMed 0.00002; ExAC 0.00003.

Submissions (2):

Labcorp Genetics (formerly Invitae), Labcorp
Classification: Uncertain significance. Last evaluated: 2022-09-27. Review status: criteria provided, single submitter. Criteria: Invitae Variant Classification Sherloc (09022015). Collection method: clinical testing. Allele origin: germline.
Comment: This sequence change replaces arginine, which is basic and polar, with glutamine, which is neutral and polar, at codon 62 of the ACER3 protein (p.Arg62Gln). This variant is present in population databases (rs755357196, gnomAD 0.04%). In summary, the available evidence is currently insufficient to determine the role of this variant in disease. Therefore, it has been classified as a Variant of Uncertain Significance. Advanced modeling of protein sequence and biophysical properties (such as structural, functional, and spatial information, amino acid conservation, physicochemical variation, residue mobility, and thermodynamic stability) performed at Invitae indicates that this missense variant is expected to disrupt ACER3 protein function. This variant has not been reported in the literature in individuals affected with ACER3-related conditions.

Ambry Genetics
Classification: Uncertain significance. Last evaluated: 2022-08-04. Review status: criteria provided, single submitter. Criteria: Ambry Variant Classification Scheme 2023. Collection method: clinical testing. Allele origin: germline.